The following is an entry in ClinVar:

NM_000187.4(HGD):c.31_32delinsATT (p.Gly11fs)

Gene: HGD (homogentisate 1,2-dioxygenase; minus strand). Cytogenetic location: 3q13.33.
Variant type: Indel.
Coding change: c.31_32delinsATT on transcript NM_000187.4 (MANE Select); coding-DNA positions 31 to 32, GG replaced by ATT.
Protein change: p.Gly11fs; shifts the reading frame from glycine 11.
Molecular consequence: frameshift variant.
Genome position (GRCh38, 1-based): chr3:120,675,847-120,675,848, CC replaced by AAT on the plus strand (GG replaced by ATT on the coding strand, the reverse complement: HGD is on the minus strand). VCF-style: chr3-120675847-CC-AAT. GRCh37 (hg19) VCF-style: chr3-120394694-CC-AAT.
Other names: c.31_32delGGinsATT (NM_000187.4); short protein forms G11fs.
Identifiers: ClinVar variation 370267 (VCV000370267.4), dbSNP rs1057516362, ClinGen allele CA16040899.

ClinVar aggregate classification (germline): Pathogenic/Likely pathogenic. Review status: no assertion criteria provided (0 of 4 stars). 2 submissions from 2 submitters: Pathogenic (1); Likely pathogenic (1). Last evaluated 2015-12-31.

Conditions:
Alkaptonuria (AKU). Also called: HOMOGENTISIC ACID OXIDASE DEFICIENCY; Alcaptonuria; Homogentisic acidura; Alkaptonuric ochronosis. Identifiers: Orphanet 56, MedGen C0002066, MONDO:0008753, OMIM 203500.

Submissions (2):

Counsyl
Classification: Likely pathogenic for Alkaptonuria. Last evaluated: 2015-12-31. Review status: no assertion criteria provided. Collection method: clinical testing. Allele origin: unknown.

Department Of Human Genetics, Institute Of Clinical And Translational Research, Biomedical Research Center, Slovak Academy Of Sciences
Classification: Pathogenic for Alkaptonuria. Review status: no assertion criteria provided. Collection method: research. Allele origin: germline. Inheritance: Autosomal recessive inheritance. Affected: yes. Observed: 3 variant alleles.
Comment: The variant was originally described in AKU patient in PMID:9529363. It has been submitted to the HGD gene mutation database (DB-ID: AKU_00005).

Literature cited by the submitters: PubMed 25804398 (cited by Counsyl); PubMed 9529363 (cited by Counsyl and Department Of Human Genetics, Institute Of Clinical And Translational Research, Biomedical Research Center, Slovak Academy Of Sciences).